The following is an entry in ClinVar:

ClinVar aggregate classification (germline): Benign (1 of 4 stars; one submission).

Allele frequency attached by ClinVar (database versions not stated): TOPMed 0.85229; gnomAD 0.86080 and 0.86121; 1000 Genomes Project 0.81589; 1000 Genomes Project 30x 0.81621.

Submission:

GeneDx
Classification: Benign. Last evaluated: 2018-06-16. Review status: criteria provided, single submitter. Criteria: GeneDx Variant Classification (06012015). Collection method: clinical testing. Allele origin: germline. Affected: yes.
Comment: This variant is considered likely benign or benign based on one or more of the following criteria: it is a conservative change, it occurs at a poorly conserved position in the protein, it is predicted to be benign by multiple in silico algorithms, and/or has population frequency not consistent with disease.

NM_018249.4(CDK5RAP2):c.-353C>T

Gene: CDK5RAP2 (CDK5 regulatory subunit associated protein 2; minus strand). Cytogenetic location: 9q33.2.
Variant type: single nucleotide variant.
Coding change: c.-353C>T on transcript NM_018249.4; 353 bases upstream of the start codon, C replaced by T.
Genome position (GRCh38, 1-based): chr9:120,580,331, G>A on the plus strand (C>T on the coding strand, the complement: CDK5RAP2 is on the minus strand). VCF-style: chr9-120580331-G-A. GRCh37 (hg19) VCF-style: chr9-123342609-G-A.
Identifiers: ClinVar variation 668859 (VCV000668859.3), dbSNP rs932973, ClinGen allele CA199326184.